The following is an entry in ClinVar:

ClinVar aggregate classification (germline): Uncertain significance (1 of 4 stars; one submission).

Allele frequency attached by ClinVar (database versions not stated): gnomAD exomes below 0.00001.
gnomAD v4.1: 1 of 1,614,042 alleles (0.000062%); highest among the groups gnomAD compares: Non-Finnish European, 0.000085%; no homozygotes.

Submission:

Labcorp Genetics (formerly Invitae), Labcorp
Classification: Uncertain significance. Last evaluated: 2023-10-03. Review status: criteria provided, single submitter. Criteria: Invitae Variant Classification Sherloc (09022015). Collection method: clinical testing. Allele origin: germline.
Comment: This sequence change replaces alanine, which is neutral and non-polar, with threonine, which is neutral and polar, at codon 589 of the MYO5B protein (p.Ala589Thr). This variant is present in population databases (no rsID available, gnomAD 0.0009%). This variant has not been reported in the literature in individuals affected with MYO5B-related conditions. ClinVar contains an entry for this variant (Variation ID: 1345221). Advanced modeling of protein sequence and biophysical properties (such as structural, functional, and spatial information, amino acid conservation, physicochemical variation, residue mobility, and thermodynamic stability) performed at Invitae indicates that this missense variant is not expected to disrupt MYO5B protein function. In summary, the available evidence is currently insufficient to determine the role of this variant in disease. Therefore, it has been classified as a Variant of Uncertain Significance.

NM_001080467.3(MYO5B):c.1765G>A (p.Ala589Thr)

Gene: MYO5B (myosin VB; minus strand). Cytogenetic location: 18q21.1.
Variant type: single nucleotide variant.
Coding change: c.1765G>A on transcript NM_001080467.3 (MANE Select); coding-DNA position 1765, G replaced by A.
Protein change: p.Ala589Thr; replaces alanine 589 with threonine.
Molecular consequence: missense variant.
Genome position (GRCh38, 1-based): chr18:49,937,385, C>T on the plus strand (G>A on the coding strand, the complement: MYO5B is on the minus strand). VCF-style: chr18-49937385-C-T. GRCh37 (hg19) VCF-style: chr18-47463755-C-T.
Other names: short protein forms A589T.
Identifiers: ClinVar variation 1345221 (VCV001345221.8), dbSNP rs1166778981, ClinGen allele CA402446074.
Genomic context (GRCh38, chr18:49,937,385, plus strand): 5'-ATGACCCCTTCCCAGGGGTGGTGGCAGGAACAGGGTCCTTGTCATCATGAAACAAGTCAG[C>T]CACTAGTGGGAACTAGAAACAATCACAGGAAGAATGATGAAAGTGACATCTCCTGCACCT-3'
Protein context (NP_001073936.1, residues 579-599): ILKASKFPLV[Ala589Thr]DLFHDDKDPV